The following is an entry in ClinVar:

ClinVar aggregate classification (germline): Uncertain significance (1 of 4 stars; one submission).

Submission:

Labcorp Genetics (formerly Invitae), Labcorp
Classification: Uncertain significance. Last evaluated: 2023-06-30. Review status: criteria provided, single submitter. Criteria: Invitae Variant Classification Sherloc (09022015). Collection method: clinical testing. Allele origin: germline.
Comment: In summary, the available evidence is currently insufficient to determine the role of this variant in disease. Therefore, it has been classified as a Variant of Uncertain Significance. Advanced modeling of protein sequence and biophysical properties (such as structural, functional, and spatial information, amino acid conservation, physicochemical variation, residue mobility, and thermodynamic stability) performed at Invitae indicates that this missense variant is expected to disrupt WNT1 protein function. This variant has not been reported in the literature in individuals affected with WNT1-related conditions. This variant is not present in population databases (gnomAD no frequency). This sequence change replaces cysteine, which is neutral and slightly polar, with phenylalanine, which is neutral and non-polar, at codon 360 of the WNT1 protein (p.Cys360Phe).

NM_005430.4(WNT1):c.1079G>T (p.Cys360Phe)

Gene: WNT1 (Wnt family member 1; plus strand). Cytogenetic location: 12q13.12.
Variant type: single nucleotide variant.
Coding change: c.1079G>T on transcript NM_005430.4 (MANE Select); coding-DNA position 1079, G replaced by T.
Protein change: p.Cys360Phe; replaces cysteine 360 with phenylalanine.
Molecular consequence: missense variant.
Genome position (GRCh38, 1-based): chr12:48,981,606, G>T. VCF-style: chr12-48981606-G-T. GRCh37 (hg19) VCF-style: chr12-49375389-G-T.
Other names: short protein forms C360F.
Identifiers: ClinVar variation 2854458 (VCV002854458.3), dbSNP rs1941016473, ClinGen allele CA384639171.